The following is an entry in ClinVar:

NM_000465.4(BARD1):c.733_734insTGGAT (p.Gln245fs)

Gene: BARD1 (BRCA1 associated RING domain 1; minus strand). Cytogenetic location: 2q35.
Variant type: Insertion.
Coding change: c.733_734insTGGAT on transcript NM_000465.4 (MANE Select); coding-DNA positions 733 to 734, TGGAT inserted.
Protein change: p.Gln245fs; shifts the reading frame from glutamine 245.
Molecular consequence: frameshift variant. On other transcripts: non-coding transcript variant (2), intron variant (3).
Genome position: GRCh38 VCF-style: chr2-214781140-T-TATCCA. GRCh37 (hg19) VCF-style: chr2-215645864-T-TATCCA.
Other names: c.676_677insTGGAT, p.Gln226fs (NM_001282543.2); c.158+28271_158+28272insTGGAT (NM_001282548.2); c.215+15920_215+15921insTGGAT (NM_001282545.2); c.364+11156_364+11157insTGGAT (NM_001282549.2); short protein forms Q226fs, Q245fs.
Identifiers: ClinVar variation 2583273 (VCV002583273.2), dbSNP rs2469509161, ClinGen allele CA2582342092.

ClinVar aggregate classification (germline): Pathogenic (1 of 4 stars; one submission).

Conditions:
Familial cancer of breast. Also called: Hereditary breast cancer; BREAST CANCER, FAMILIAL; hereditary breast carcinoma. Identifiers: Orphanet 227535, MedGen C0346153, MONDO:0016419, OMIM 114480. Disease mechanism: loss of function.

Submission:

Myriad Genetics, Inc.
Classification: Pathogenic for Familial cancer of breast. Last evaluated: 2023-05-19. Review status: criteria provided, single submitter. Criteria: Myriad Autosomal Dominant, Autosomal Recessive and X-Linked Classification Criteria (2023). Collection method: clinical testing. Allele origin: unknown.
Comment: This variant is considered pathogenic. This variant creates a frameshift predicted to result in premature protein truncation.